The following is an entry in ClinVar:

NM_000179.3(MSH6):c.2622C>A (p.Ile874=)

Gene: MSH6 (mutS homolog 6; plus strand). Cytogenetic location: 2p16.3.
Variant type: single nucleotide variant.
Coding change: c.2622C>A on transcript NM_000179.3 (MANE Select); coding-DNA position 2622, C replaced by A.
Protein change: p.Ile874=; no amino-acid change (isoleucine 874 retained).
Molecular consequence: synonymous variant.
Genome position (GRCh38, 1-based): chr2:47,800,605, C>A. VCF-style: chr2-47800605-C-A. GRCh37 (hg19) VCF-style: chr2-48027744-C-A.
Other names: c.2622C>A (NM_000179.2); c.2232C>A, p.Ile744= (NM_001281492.2); c.1716C>A, p.Ile572= (NM_001281493.2, NM_001281494.2).
Identifiers: ClinVar variation 1085159 (VCV001085159.11), dbSNP rs1200093419, ClinGen allele CA426121888.

ClinVar aggregate classification (germline): Benign/Likely benign. Review status: criteria provided, multiple submitters, no conflicts (2 of 4 stars). 3 submissions from 3 submitters: Benign (1); Likely benign (2). Last evaluated 2025-11-24.

Conditions:
Lynch syndrome 5 (LYNCH5). Also called: Hereditary non-polyposis colorectal cancer, type 5; Colorectal cancer, hereditary nonpolyposis, type 5. Identifiers: Orphanet 144, MedGen C1833477, MONDO:0013710, OMIM 614350. Disease mechanism: loss of function.
Hereditary nonpolyposis colorectal neoplasms. Identifiers: MedGen C0009405, MeSH D003123.
Hereditary cancer-predisposing syndrome. Also called: Hereditary Cancer Syndrome; Neoplastic Syndromes, Hereditary; Tumor predisposition; Hereditary neoplastic syndrome. Identifiers: Orphanet 140162, MedGen C0027672, MeSH D009386, MONDO:0015356.

Allele frequency attached by ClinVar (database versions not stated): gnomAD exomes below 0.00001; gnomAD 0.00001.
gnomAD v4.1: 1 of 1,614,066 alleles (0.000062%); highest among the groups gnomAD compares: South Asian, 0.0011%; no homozygotes.

Submissions (3):

Labcorp Genetics (formerly Invitae), Labcorp
Classification: Likely benign for Hereditary nonpolyposis colorectal neoplasms. Last evaluated: 2025-11-24. Review status: criteria provided, single submitter. Criteria: Invitae Variant Classification Sherloc (09022015). Collection method: clinical testing. Allele origin: germline.

Myriad Genetics, Inc.
Classification: Benign for Lynch syndrome 5. Last evaluated: 2024-12-31. Review status: criteria provided, single submitter. Criteria: Myriad Autosomal Dominant, Autosomal Recessive and X-Linked Classification Criteria (2023). Collection method: clinical testing. Allele origin: unknown.
Comment: This variant is considered benign. This variant is a silent/synonymous amino acid change and it is not expected to impact splicing.

Ambry Genetics
Classification: Likely benign for Hereditary cancer-predisposing syndrome. Last evaluated: 2024-09-30. Review status: criteria provided, single submitter. Criteria: Ambry Variant Classification Scheme 2023. Collection method: clinical testing. Allele origin: germline.